The following is an entry in ClinVar:

NM_001351132.2(PEX5):c.1044G>T (p.Glu348Asp)

Gene: PEX5 (peroxisomal biogenesis factor 5; plus strand). Cytogenetic location: 12p13.31.
Variant type: single nucleotide variant.
Coding change: c.1044G>T on transcript NM_001351132.2 (MANE Select); coding-DNA position 1044, G replaced by T.
Protein change: p.Glu348Asp; replaces glutamic acid 348 with aspartic acid.
Molecular consequence: missense variant.
Genome position (GRCh38, 1-based): chr12:7,207,736, G>T. VCF-style: chr12-7207736-G-T. GRCh37 (hg19) VCF-style: chr12-7360332-G-T.
Other names: c.1020G>T, p.Glu340Asp (NM_000319.5); c.1089G>T, p.Glu363Asp (NM_001131023.2); c.933G>T, p.Glu311Asp (NM_001131024.2, NM_001351124.3, NM_001351126.2 and 7 more transcripts); c.1044G>T, p.Glu348Asp (NM_001131025.2, NM_001131026.2, NM_001300789.3 and 4 more transcripts); c.978G>T, p.Glu326Asp (NM_001351135.3, NM_001351138.2); c.1035G>T, p.Glu345Asp (NM_001351136.2); c.909G>T, p.Glu303Asp (NM_001351139.2, NM_001351140.2, NM_001374649.2); short protein forms E340D, E348D, E303D, E311D, E326D, E345D, E363D.
Identifiers: ClinVar variation 498020 (VCV000498020.8), dbSNP rs746001175, ClinGen allele CA383730527.
Genomic context (GRCh38, chr12:7,207,736, plus strand): 5'-GGAGAACCCCTTGCGTGATCACCCTCAGCCTTTTGAAGAAGGGCTGCGGCGCCTTCAGGA[G>T]GGGGACCTGCCAAATGCTGTGCTGCTTTTTGAGGCAGCTGTGCAGCAGGATCCTAAGCAC-3'
Protein context (NP_001338061.1, residues 338-358): PFEEGLRRLQ[Glu348Asp]GDLPNAVLLF

ClinVar aggregate classification (germline): Uncertain significance. Review status: criteria provided, multiple submitters, no conflicts (2 of 4 stars). 2 submissions from 2 submitters: Uncertain significance (2). Last evaluated 2024-01-15.

Conditions:
Peroxisome biogenesis disorder 2B (PBD2B). Identifiers: Orphanet 44, MedGen C3550234, MONDO:0008736, OMIM 202370.

Allele frequency attached by ClinVar (database versions not stated): gnomAD 0.00001; TOPMed 0.00004.
gnomAD v4.1: 5 of 1,614,022 alleles (0.00031%); highest among the groups gnomAD compares: African/African-American, 0.0053%; no homozygotes.

Submissions (2):

Labcorp Genetics (formerly Invitae), Labcorp
Classification: Uncertain significance for Peroxisome biogenesis disorder 2B. Last evaluated: 2024-01-15. Review status: criteria provided, single submitter. Criteria: Invitae Variant Classification Sherloc (09022015). Collection method: clinical testing. Allele origin: germline.
Comment: This sequence change replaces glutamic acid, which is acidic and polar, with aspartic acid, which is acidic and polar, at codon 348 of the PEX5 protein (p.Glu348Asp). This variant is present in population databases (no rsID available, gnomAD 0.01%). This variant has not been reported in the literature in individuals affected with PEX5-related conditions. ClinVar contains an entry for this variant (Variation ID: 498020). Advanced modeling of protein sequence and biophysical properties (such as structural, functional, and spatial information, amino acid conservation, physicochemical variation, residue mobility, and thermodynamic stability) performed at Invitae indicates that this missense variant is not expected to disrupt PEX5 protein function with a negative predictive value of 80%. In summary, the available evidence is currently insufficient to determine the role of this variant in disease. Therefore, it has been classified as a Variant of Uncertain Significance.

Eurofins Ntd Llc (ga)
Classification: Uncertain significance. Last evaluated: 2016-10-17. Review status: criteria provided, single submitter. Criteria: EGL Classification Definitions 2015. Collection method: clinical testing. Allele origin: germline. Observed: 1 variant allele, 1 heterozygote.